The following is an entry in ClinVar:

NM_174936.4(PCSK9):c.1987A>G (p.Thr663Ala)

Gene: PCSK9 (proprotein convertase subtilisin/kexin type 9; plus strand). Cytogenetic location: 1p32.3.
Variant type: single nucleotide variant.
Coding change: c.1987A>G on transcript NM_174936.4 (MANE Select); coding-DNA position 1987, A replaced by G.
Protein change: p.Thr663Ala; replaces threonine 663 with alanine.
Molecular consequence: missense variant.
Genome position (GRCh38, 1-based): chr1:55,063,492, A>G. VCF-style: chr1-55063492-A-G. GRCh37 (hg19) VCF-style: chr1-55529165-A-G.
Other names: c.2110A>G, p.Thr704Ala (NM_001407240.1); c.2029A>G, p.Thr677Ala (NM_001407241.1); c.1990A>G, p.Thr664Ala (NM_001407242.1); c.1930A>G, p.Thr644Ala (NM_001407243.1); c.1813A>G, p.Thr605Ala (NM_001407244.1); c.1795A>G, p.Thr599Ala (NM_001407245.1); c.1612A>G, p.Thr538Ala (NM_001407246.1); c.1486A>G, p.Thr496Ala (NM_001407247.1); short protein forms T663A, T496A, T605A, T644A, T538A, T677A, T704A, T599A.
Identifiers: ClinVar variation 921582 (VCV000921582.11), dbSNP rs1325251210, ClinGen allele CA340480782.
Genomic context (GRCh38, chr1:55,063,492, plus strand): 5'-CACGTCCTGGGGGCCTACGCCGTAGACAACACGTGTGTAGTCAGGAGCCGGGACGTCAGC[A>G]CTACAGGCAGCACCAGCGAAGGGGCCGTGACAGCCGTTGCCATCTGCTGCCGGAGCCGGC-3'
Protein context (NP_777596.2, residues 653-673): TCVVRSRDVS[Thr663Ala]TGSTSEGAVT

ClinVar aggregate classification (germline): Conflicting classifications of pathogenicity. Review status: criteria provided, conflicting classifications (1 of 4 stars). 4 submissions from 4 submitters: Uncertain significance (1); Likely benign (3). Last evaluated 2024-09-05.

Conditions:
Cardiovascular phenotype. Identifiers: MedGen CN230736.
Familial hypercholesterolemia. Also called: Familial hypercholesterolemias; Familial hypercholesterolaemia. Identifiers: MedGen C0020445, MONDO:0005439.
Hypercholesterolemia, autosomal dominant, 3 (FHCL3). Also called: Familial hypercholesterolemia 3; Familial Hypercholesterolemia, Autosomal Dominant, 3; PCSK9-Related Familial Hypercholesterolemia, Autosomal Dominant. Identifiers: MedGen C1863551, MONDO:0011369, OMIM 603776.

gnomAD v4.1: 3 of 1,613,958 alleles (0.00019%); highest among the groups gnomAD compares: Non-Finnish European, 0.000085%; no homozygotes.

Submissions (4):

Color Diagnostics, LLC DBA Color Health
Classification: Likely benign for Familial hypercholesterolemia. Last evaluated: 2024-09-05. Review status: criteria provided, single submitter. Criteria: ACMG Guidelines, 2015. Collection method: clinical testing. Allele origin: germline.

All of Us Research Program, National Institutes of Health
Classification: Likely benign for Hypercholesterolemia, autosomal dominant, 3. Last evaluated: 2023-08-15. Review status: criteria provided, single submitter. Criteria: ACMG Guidelines, 2015. Collection method: clinical testing. Allele origin: germline. Inheritance: Autosomal dominant inheritance. Observed: 2 variant alleles, 2 heterozygotes.
Comment: This study involves interpretation of variants in research participants for the purpose of population health screening. Participant phenotype was not available at the time of variant classification. Additional details can be found in publication PMID: 35346344, PMCID: PMC8962531

Ambry Genetics
Classification: Likely benign for Cardiovascular phenotype. Last evaluated: 2022-11-27. Review status: criteria provided, single submitter. Criteria: Ambry Variant Classification Scheme 2023. Collection method: clinical testing. Allele origin: germline.

Labcorp Genetics (formerly Invitae), Labcorp
Classification: Uncertain significance for Hypercholesterolemia, autosomal dominant, 3. Last evaluated: 2021-09-17. Review status: criteria provided, single submitter. Criteria: Invitae Variant Classification Sherloc (09022015). Collection method: clinical testing. Allele origin: germline.
Comment: This sequence change replaces threonine with alanine at codon 663 of the PCSK9 protein (p.Thr663Ala). The threonine residue is weakly conserved and there is a small physicochemical difference between threonine and alanine. This variant is not present in population databases (ExAC no frequency). This variant has not been reported in the literature in individuals with PCSK9-related conditions. ClinVar contains an entry for this variant (Variation ID: 921582). Advanced modeling of protein sequence and biophysical properties (such as structural, functional, and spatial information, amino acid conservation, physicochemical variation, residue mobility, and thermodynamic stability) performed at Invitae indicates that this missense variant is not expected to disrupt PCSK9 protein function. In summary, the available evidence is currently insufficient to determine the role of this variant in disease. Therefore, it has been classified as a Variant of Uncertain Significance.